The following is an entry in ClinVar:

ClinVar aggregate classification (germline): Uncertain significance. Review status: criteria provided, multiple submitters, no conflicts (2 of 4 stars). 2 submissions from 2 submitters: Uncertain significance (2). Last evaluated 2025-01-09.

Conditions:
Epilepsy, familial focal, with variable foci 3 (FFEVF3). Identifiers: MedGen C4310708, MONDO:0014925, OMIM 617118.

gnomAD v4.1: 3 of 1,589,980 alleles (0.00019%); highest among the groups gnomAD compares: Non-Finnish European, 0.00026%; no homozygotes.

Submissions (2):

GeneDx
Classification: Uncertain significance. Last evaluated: 2025-01-09. Review status: criteria provided, single submitter. Criteria: GeneDx Variant Classification Process June 2021. Collection method: clinical testing. Allele origin: germline. Affected: yes.
Comment: Not observed at significant frequency in large population cohorts (gnomAD); In silico analysis supports a deleterious effect on splicing; Has not been previously published as pathogenic or benign to our knowledge

Labcorp Genetics (formerly Invitae), Labcorp
Classification: Uncertain significance for Epilepsy, familial focal, with variable foci 3. Last evaluated: 2024-05-28. Review status: criteria provided, single submitter. Criteria: Invitae Variant Classification Sherloc (09022015). Collection method: clinical testing. Allele origin: germline.
Comment: This sequence change falls in intron 5 of the NPRL3 gene. It does not directly change the encoded amino acid sequence of the NPRL3 protein. It affects a nucleotide within the consensus splice site. This variant is not present in population databases (gnomAD no frequency). This variant has not been reported in the literature in individuals affected with NPRL3-related conditions. Variants that disrupt the consensus splice site are a relatively common cause of aberrant splicing (PMID: 17576681, 9536098). Algorithms developed to predict the effect of sequence changes on RNA splicing suggest that this variant may disrupt the consensus splice site. In summary, the available evidence is currently insufficient to determine the role of this variant in disease. Therefore, it has been classified as a Variant of Uncertain Significance.

Literature cited by the submitters: PubMed 17576681 (cited by Labcorp Genetics (formerly Invitae), Labcorp); PubMed 9536098 (cited by Labcorp Genetics (formerly Invitae), Labcorp).

NM_001077350.3(NPRL3):c.394-3C>G

Genes: HBA-LCR (alpha-globin locus control region; plus strand), NPRL3 (NPR3 like, GATOR1 complex subunit; minus strand). Cytogenetic location: 16p13.3.
Variant type: single nucleotide variant.
Coding change: c.394-3C>G on transcript NM_001077350.3 (MANE Select); 3 bases into the intron before coding-DNA position 394, C replaced by G.
Molecular consequence: intron variant.
Genome position (GRCh38, 1-based): chr16:112,778, G>C on the plus strand (C>G on the coding strand, the complement: NPRL3 is on the minus strand). VCF-style: chr16-112778-G-C. GRCh37 (hg19) VCF-style: chr16-162777-G-C.
Other names: c.160-3C>G (NM_001243247.2); c.319-3C>G (NM_001243248.2, NM_001243249.2); c.-144-3C>G (NM_001039476.3).
Identifiers: ClinVar variation 3698087 (VCV003698087.3).
Genomic context (GRCh38, chr16:112,778, plus strand): 5'-TGGCGATACGACGGGACAGGTTATGCAGACAGTTTATCACTGACGGGTCTGCGTTGGCCT[G>C]CAGGAGAGAGACCATACACAGACTCAAACGTGTGCACAGGGACACAGCTGGACACAGTTT-3'